The following is an entry in ClinVar:

ClinVar aggregate classification (germline): Conflicting classifications of pathogenicity. Review status: criteria provided, conflicting classifications (1 of 4 stars). 3 submissions from 3 submitters: Uncertain significance (2); Likely benign (1). Last evaluated 2025-06-01.

Conditions:
Cardiovascular phenotype. Identifiers: MedGen CN230736.

Allele frequency attached by ClinVar (database versions not stated): gnomAD exomes 0.00002.
gnomAD v4.1: 36 of 1,548,358 alleles (0.0023%); highest among the groups gnomAD compares: Middle Eastern, 0.033%; no homozygotes.

Submissions (3):

CeGaT Center for Human Genetics Tuebingen
Classification: Uncertain significance. Last evaluated: 2025-06-01. Review status: criteria provided, single submitter. Criteria: CeGaT Center For Human Genetics Tuebingen Variant Classification Criteria Version 2. Collection method: clinical testing. Allele origin: germline. Affected: yes. Observed: 1 variant allele.
Comment: ZNF469: PM2, BP4

Ambry Genetics
Classification: Likely benign for Cardiovascular phenotype. Last evaluated: 2025-04-16. Review status: criteria provided, single submitter. Criteria: Ambry Variant Classification Scheme 2023. Collection method: clinical testing. Allele origin: germline.

Labcorp Genetics (formerly Invitae), Labcorp
Classification: Uncertain significance. Last evaluated: 2021-08-14. Review status: criteria provided, single submitter. Criteria: Invitae Variant Classification Sherloc (09022015). Collection method: clinical testing. Allele origin: germline.
Comment: This sequence change replaces serine with phenylalanine at codon 2983 of the ZNF469 protein (p.Ser2983Phe). The serine residue is moderately conserved and there is a large physicochemical difference between serine and phenylalanine. This variant is not present in population databases (ExAC no frequency). This variant has not been reported in the literature in individuals affected with ZNF469-related conditions. Algorithms developed to predict the effect of missense changes on protein structure and function output the following: SIFT: "Tolerated"; PolyPhen-2: "Benign"; Align-GVGD: "Class C0". The phenylalanine amino acid residue is found in multiple mammalian species, which suggests that this missense change does not adversely affect protein function. In summary, the available evidence is currently insufficient to determine the role of this variant in disease. Therefore, it has been classified as a Variant of Uncertain Significance.

NM_001367624.2(ZNF469):c.9032C>T (p.Ser3011Phe)

Gene: ZNF469 (zinc finger protein 469; plus strand). Cytogenetic location: 16q24.2.
Variant type: single nucleotide variant.
Coding change: c.9032C>T on transcript NM_001367624.2 (MANE Select); coding-DNA position 9032, C replaced by T.
Protein change: p.Ser3011Phe; replaces serine 3011 with phenylalanine.
Molecular consequence: missense variant.
Genome position (GRCh38, 1-based): chr16:88,436,502, C>T. VCF-style: chr16-88436502-C-T. GRCh37 (hg19) VCF-style: chr16-88502910-C-T.
Other names: NM_001127464.1:c.8948C>T; short protein forms S3011F.
Identifiers: ClinVar variation 1491783 (VCV001491783.17), dbSNP rs866656179, ClinGen allele CA286384945.